The following is an entry in ClinVar:

NM_000489.6(ATRX):c.5786+1del

Gene: ATRX (ATRX chromatin remodeler; minus strand). Cytogenetic location: Xq21.1.
Variant type: Deletion.
Coding change: c.5786+1del on transcript NM_000489.6 (MANE Select); the canonical splice donor site of the intron after coding-DNA position 5786, one base deleted (G; older notation c.5786+1delG).
Molecular consequence: splice donor variant.
Genome position (GRCh38, 1-based): chrX:77,599,731, C deleted on the plus strand (G on the coding strand, the reverse complement: ATRX is on the minus strand). VCF-style (leftmost placement, unchanged base first): chrX-77599730-AC-A. GRCh37 (hg19) VCF-style: chrX-76855199-AC-A.
Other names: c.5672+1del (NM_138270.5).
Identifiers: ClinVar variation 3377337 (VCV003377337.1).

ClinVar aggregate classification (germline): Likely pathogenic (1 of 4 stars; one submission).

Conditions:
ATR-X-related syndrome. Identifiers: MedGen CN257940, MONDO:0016980.

Submission:

Victorian Clinical Genetics Services, Murdoch Childrens Research Institute
Classification: Likely pathogenic for ATR-X-related syndrome. Last evaluated: 2024-10-09. Review status: criteria provided, single submitter. Criteria: ACMG Guidelines, 2015. Collection method: clinical testing. Allele origin: germline. Inheritance: X-linked inheritance. Affected: yes.
Comment: Based on the classification scheme VCGS_Germline_v1.3.5, this variant is classified as Likely pathogenic. Following criteria are met: 0102 - Loss of function is a known mechanism of disease in this gene and is associated with ATRX-related conditions. (I) 0108 - This gene is associated with both X-linked recessive and dominant disease. Carrier females may be asymptomatic, or affected with alpha-thalassaemia syndrome (OMIM). (I) 0115 - Variants in this gene are known to have variable expressivity. Variable severity and phenotypes have been observed among individuals with the same variant (PMID: 24805811, 23820649). (I) 0211 - Canonical splice site variant without proven consequence on splicing (no functional evidence available). (SP) 0253 - This variant is hemizygous. (I) 0301 - Variant is absent from gnomAD (v2, v3 and v4). (SP) 0505 - Abnormal splicing is predicted by in silico tools and affected nucleotide is highly conserved. (SP) 0705 - No comparable splice site variants have previous evidence for pathogenicity. (I) 0807 - This variant has no previous evidence of pathogenicity. (I) 0905 - No published segregation evidence has been identified for this variant. (I) 1007 - No published functional evidence has been identified for this variant. (SP) Legend: (SP) - Supporting pathogenic, (I) - Information, (SB) - Supporting benign

Literature cited by the submitters: PubMed 23820649; PubMed 24805811.